The following is an entry in ClinVar:

NM_002474.3(MYH11):c.3844G>C (p.Val1282Leu)

Gene: MYH11 (myosin heavy chain 11; minus strand). Cytogenetic location: 16p13.11.
Variant type: single nucleotide variant.
Coding change: c.3844G>C on transcript NM_002474.3 (MANE Select); coding-DNA position 3844, G replaced by C.
Protein change: p.Val1282Leu; replaces valine 1282 with leucine.
Molecular consequence: missense variant.
Genome position (GRCh38, 1-based): chr16:15,726,862, C>G on the plus strand (G>C on the coding strand, the complement: MYH11 is on the minus strand). VCF-style: chr16-15726862-C-G. GRCh37 (hg19) VCF-style: chr16-15820719-C-G.
Other names: c.3865G>C, p.Val1289Leu (NM_001040113.2, NM_001040114.2); c.3844G>C, p.Val1282Leu (NM_022844.3); c.3844G>C (NM_002474.2); short protein forms V1289L, V1282L.
Identifiers: ClinVar variation 1388276 (VCV001388276.10), dbSNP rs763285173, ClinGen allele CA7921874.

ClinVar aggregate classification (germline): Uncertain significance. Review status: criteria provided, multiple submitters, no conflicts (2 of 4 stars). 2 submissions from 2 submitters: Uncertain significance (2). Last evaluated 2025-11-15.

Conditions:
Aortic aneurysm, familial thoracic 4 (AAT4). Also called: AORTIC ANEURYSM/AORTIC DISSECTION AND PATENT DUCTUS ARTERIOSUS. Identifiers: MedGen C1851504, MONDO:0007568, OMIM 132900.
Familial thoracic aortic aneurysm and aortic dissection (TAAD). Also called: Thoracic aortic aneurysms and dissections. Identifiers: Orphanet 91387, MedGen C4707243, MONDO:0019625.

Allele frequency attached by ClinVar (database versions not stated): gnomAD exomes below 0.00001; ExAC 0.00001.
gnomAD v4.1: 2 of 1,612,136 alleles (0.00012%); highest among the groups gnomAD compares: East Asian, 0.0045%; no homozygotes.

Submissions (2):

Ambry Genetics
Classification: Uncertain significance for Familial thoracic aortic aneurysm and aortic dissection. Last evaluated: 2025-11-15. Review status: criteria provided, single submitter. Criteria: Ambry Variant Classification Scheme 2023. Collection method: clinical testing. Allele origin: germline.
Comment: The p.V1282L variant (also known as c.3844G>C), located in coding exon 27 of the MYH11 gene, results from a G to C substitution at nucleotide position 3844. The valine at codon 1282 is replaced by leucine, an amino acid with highly similar properties. This amino acid position is conserved. In addition, this alteration is predicted to be tolerated by in silico analysis. Based on the available evidence, the clinical significance of this variant remains unclear.

Labcorp Genetics (formerly Invitae), Labcorp
Classification: Uncertain significance for Aortic aneurysm, familial thoracic 4. Last evaluated: 2022-07-18. Review status: criteria provided, single submitter. Criteria: Invitae Variant Classification Sherloc (09022015). Collection method: clinical testing. Allele origin: germline.
Comment: In summary, the available evidence is currently insufficient to determine the role of this variant in disease. Therefore, it has been classified as a Variant of Uncertain Significance. Algorithms developed to predict the effect of missense changes on protein structure and function are either unavailable or do not agree on the potential impact of this missense change (SIFT: "Deleterious"; PolyPhen-2: "Benign"; Align-GVGD: "Class C0"). ClinVar contains an entry for this variant (Variation ID: 1388276). This variant has not been reported in the literature in individuals affected with MYH11-related conditions. This variant is present in population databases (rs763285173, gnomAD 0.006%). This sequence change replaces valine, which is neutral and non-polar, with leucine, which is neutral and non-polar, at codon 1289 of the MYH11 protein (p.Val1289Leu).